The following is an entry in ClinVar:

NM_001165963.4(SCN1A):c.5354T>C (p.Ile1785Thr)

Genes: SCN1A (sodium voltage-gated channel alpha subunit 1; minus strand), LOC102724058 (uncharacterized LOC102724058; plus strand). Cytogenetic location: 2q24.3.
Variant type: single nucleotide variant.
Coding change: c.5354T>C on transcript NM_001165963.4 (MANE Select); coding-DNA position 5354, T replaced by C.
Protein change: p.Ile1785Thr; replaces isoleucine 1785 with threonine.
Molecular consequence: missense variant. On other transcripts: non-coding transcript variant (1).
Genome position (GRCh38, 1-based): chr2:165,991,921, A>G on the plus strand (T>C on the coding strand, the complement: SCN1A is on the minus strand). VCF-style: chr2-165991921-A-G. GRCh37 (hg19) VCF-style: chr2-166848431-A-G.
Other names: c.5270T>C, p.Ile1757Thr (NM_001165964.3, NM_001353957.2, NM_001353958.2); c.5354T>C, p.Ile1785Thr (NM_001202435.3, NM_001353948.2); c.5321T>C, p.Ile1774Thr (NM_001353949.2, NM_001353950.2, NM_001353951.2 and 2 more transcripts); c.5318T>C, p.Ile1773Thr (NM_001353954.2, NM_001353955.2); c.5267T>C, p.Ile1756Thr (NM_001353960.2); c.2912T>C, p.Ile971Thr (NM_001353961.2); short protein forms I1756T, I1757T, I1773T, I1774T, I1785T, I971T.
Identifiers: ClinVar variation 1339028 (VCV001339028.2), dbSNP rs2105428907, ClinGen allele CA349068025.

ClinVar aggregate classification (germline): Uncertain significance (1 of 4 stars; one submission).

Conditions:
Generalized epilepsy with febrile seizures plus, type 2 (GEFSP2). Also called: GEFS+, TYPE 2. Identifiers: Orphanet 36387, MedGen C1858673, MONDO:0011461, OMIM 604403.

Submission:

Neuberg Centre For Genomic Medicine, NCGM
Classification: Uncertain significance for Generalized epilepsy with febrile seizures plus, type 2. Review status: criteria provided, single submitter. Criteria: ACMG Guidelines, 2015. Collection method: clinical testing. Allele origin: germline. Affected: yes.
Comment: The missense variant p.I1785T in SCN1A (NM_001165963.4) has not been reported previously as a pathogenic variant nor as a benign variant, to our knowledge. The p.I1785T variant is novel (not in any individuals) in gnomAD Exomes and is novel (not in any individuals) in 1000 Genomes. The p.I1785T missense variant is predicted to be damaging by both SIFT and PolyPhen2. The isoleucine residue at codon 1785 of SCN1A is conserved in all mammalian species. The nucleotide c.5354 in SCN1A is predicted conserved by GERP++ and PhyloP across 100 vertebrates. For these reasons, this variant has been classified as Uncertain Significance.